The following is an entry in ClinVar:

NM_183075.3(CYP2U1):c.701C>T (p.Ser234Phe)

Gene: CYP2U1 (cytochrome P450 family 2 subfamily U member 1; plus strand). Cytogenetic location: 4q25.
Variant type: single nucleotide variant.
Coding change: c.701C>T on transcript NM_183075.3 (MANE Select); coding-DNA position 701, C replaced by T.
Protein change: p.Ser234Phe; replaces serine 234 with phenylalanine.
Molecular consequence: missense variant.
Genome position (GRCh38, 1-based): chr4:107,945,180, C>T. VCF-style: chr4-107945180-C-T. GRCh37 (hg19) VCF-style: chr4-108866336-C-T.
Other names: short protein forms S234F.
Identifiers: ClinVar variation 863293 (VCV000863293.7), dbSNP rs1370303971, ClinGen allele CA357836764.
Genomic context (GRCh38, chr4:107,945,180, plus strand): 5'-GAGAAGACCCCTTCTGCCCTTTCTCCATCATCAGCAATGCCGTCTCTAACATCATTTGCT[C>T]CTTGTGCTTTGGCCAGCGCTTTGATTACACTAATAGTGAGTTCAAGAAAATGCTTGGTTT-3'
Protein context (NP_898898.1, residues 224-244): ISNAVSNIIC[Ser234Phe]LCFGQRFDYT

ClinVar aggregate classification (germline): Uncertain significance. Review status: criteria provided, multiple submitters, no conflicts (2 of 4 stars). 2 submissions from 2 submitters: Uncertain significance (2). Last evaluated 2024-10-08.

Conditions:
Inborn genetic diseases. Identifiers: MedGen C0950123, MeSH D030342.
Spastic paraplegia. Identifiers: MedGen C0037772, HP:0001258.

Allele frequency attached by ClinVar (database versions not stated): gnomAD exomes below 0.00001.

Submissions (2):

Ambry Genetics
Classification: Uncertain significance for Inborn genetic diseases. Last evaluated: 2024-10-08. Review status: criteria provided, single submitter. Criteria: Ambry Variant Classification Scheme 2023. Collection method: clinical testing. Allele origin: germline.

Labcorp Genetics (formerly Invitae), Labcorp
Classification: Uncertain significance for Spastic paraplegia. Last evaluated: 2019-05-08. Review status: criteria provided, single submitter. Criteria: Invitae Variant Classification Sherloc (09022015). Collection method: clinical testing. Allele origin: germline.
Comment: This sequence change replaces serine with phenylalanine at codon 234 of the CYP2U1 protein (p.Ser234Phe). The serine residue is highly conserved and there is a large physicochemical difference between serine and phenylalanine. In summary, the available evidence is currently insufficient to determine the role of this variant in disease. Therefore, it has been classified as a Variant of Uncertain Significance. Algorithms developed to predict the effect of missense changes on protein structure and function (SIFT, PolyPhen-2, Align-GVGD) all suggest that this variant is likely to be disruptive, but these predictions have not been confirmed by published functional studies and their clinical significance is uncertain. This variant has not been reported in the literature in individuals with CYP2U1-related conditions. This variant is not present in population databases (ExAC no frequency).